The following is an entry in ClinVar:

NM_014055.4(IFT81):c.346G>T (p.Ala116Ser)

Gene: IFT81 (intraflagellar transport 81; plus strand). Cytogenetic location: 12q24.11.
Variant type: single nucleotide variant.
Coding change: c.346G>T on transcript NM_014055.4 (MANE Select); coding-DNA position 346, G replaced by T.
Protein change: p.Ala116Ser; replaces alanine 116 with serine.
Molecular consequence: missense variant. On other transcripts: 5 prime UTR variant (2), non-coding transcript variant (4).
Genome position (GRCh38, 1-based): chr12:110,129,047, G>T. VCF-style: chr12-110129047-G-T. GRCh37 (hg19) VCF-style: chr12-110566852-G-T.
Other names: c.346G>T, p.Ala116Ser (NM_001143779.2, NM_001347946.2, NM_031473.4); c.-421G>T (NM_001347947.2, NM_001347948.2); c.346G>T (NM_014055.3); short protein forms A116S.
Identifiers: ClinVar variation 1470949 (VCV001470949.7), dbSNP rs1378825625, ClinGen allele CA6783058.
Genomic context (GRCh38, chr12:110,129,047, plus strand): 5'-CCTGTAATTTACCCAGTGCTCCACTGGCTTCTTCAGAGGACTAATGAACTGAAGAAAAGA[G>T]CATATTTAGCTCGTTTTTTAATAAAACTTGAGGTACCAAGTGAGTTTCTTCAGGATGAAA-3'
Protein context (NP_054774.2, residues 106-126): LQRTNELKKR[Ala116Ser]YLARFLIKLE

ClinVar aggregate classification (germline): Uncertain significance. Review status: criteria provided, multiple submitters, no conflicts (2 of 4 stars). 2 submissions from 2 submitters: Uncertain significance (2). Last evaluated 2025-08-31.

Conditions:
Inborn genetic diseases. Identifiers: MedGen C0950123, MeSH D030342.

Allele frequency attached by ClinVar (database versions not stated): ExAC 0.00001; gnomAD 0.00001; gnomAD exomes 0.00001 and 0.00002; TOPMed 0.00002.
gnomAD v4.1: 12 of 1,606,348 alleles (0.00075%); highest among the groups gnomAD compares: African/African-American, 0.004%; no homozygotes.

Submissions (2):

Ambry Genetics
Classification: Uncertain significance for Inborn genetic diseases. Last evaluated: 2025-08-31. Review status: criteria provided, single submitter. Criteria: Ambry Variant Classification Scheme 2023. Collection method: clinical testing. Allele origin: germline.

Labcorp Genetics (formerly Invitae), Labcorp
Classification: Uncertain significance. Last evaluated: 2025-05-19. Review status: criteria provided, single submitter. Criteria: Invitae Variant Classification Sherloc (09022015). Collection method: clinical testing. Allele origin: germline.
Comment: This sequence change replaces alanine, which is neutral and non-polar, with serine, which is neutral and polar, at codon 116 of the IFT81 protein (p.Ala116Ser). This variant is present in population databases (no rsID available, gnomAD 0.007%). This variant has not been reported in the literature in individuals affected with IFT81-related conditions. ClinVar contains an entry for this variant (Variation ID: 1470949). Invitae Evidence Modeling of protein sequence and biophysical properties (such as structural, functional, and spatial information, amino acid conservation, physicochemical variation, residue mobility, and thermodynamic stability) indicates that this missense variant is expected to disrupt IFT81 protein function with a positive predictive value of 80%. In summary, the available evidence is currently insufficient to determine the role of this variant in disease. Therefore, it has been classified as a Variant of Uncertain Significance.